The following is an entry in ClinVar:

ClinVar aggregate classification (germline): Uncertain significance (1 of 4 stars; one submission).

Conditions:
Inborn genetic diseases. Identifiers: MedGen C0950123, MeSH D030342.

Submission:

Ambry Genetics
Classification: Uncertain significance for Inborn genetic diseases. Last evaluated: 2025-11-24. Review status: criteria provided, single submitter. Criteria: Ambry Variant Classification Scheme 2023. Collection method: clinical testing. Allele origin: germline.
Comment: The c.951A>G variant (also known as p.G317G), located in coding exon 5 of the WT1 gene, results from an A to G substitution at nucleotide position 951. This nucleotide substitution does not change the amino acid at codon 317. This nucleotide position is highly conserved in available vertebrate species. In silico splice site analysis for this alteration is inconclusive. Based on the available evidence, the clinical significance of this variant remains unclear.

NM_024426.6(WT1):c.966A>G (p.Gly322=)

Gene: WT1 (WT1 transcription factor; minus strand). Cytogenetic location: 11p13.
Variant type: single nucleotide variant.
Coding change: c.966A>G on transcript NM_024426.6 (MANE Select); coding-DNA position 966, A replaced by G.
Protein change: p.Gly322=; no amino-acid change (glycine 322 retained).
Molecular consequence: synonymous variant. On other transcripts: non-coding transcript variant (1), intron variant (8).
Genome position (GRCh38, 1-based): chr11:32,416,540, T>C on the plus strand (A>G on the coding strand, the complement: WT1 is on the minus strand). VCF-style: chr11-32416540-T-C. GRCh37 (hg19) VCF-style: chr11-32438086-T-C.
Other names: c.315A>G, p.Gly105= (NM_001198551.2); c.966A>G, p.Gly322= (NM_001407044.1, NM_001407046.1, NM_024424.5); c.843A>G, p.Gly281= (NM_001407047.1); c.204A>G, p.Gly68= (NM_001407051.1); c.747A>G, p.Gly249= (NM_001429031.1, NM_001429032.1); c.842+1037A>G (NM_001407050.1); c.965+1037A>G (NM_001407048.1, NM_001407049.1, NM_000378.6 and 1 more transcripts); c.746+1037A>G (NM_001429034.1, NM_001429033.1); and 1 more.
Identifiers: ClinVar variation 4634874 (VCV004634874.1).